The following is an entry in ClinVar:

ClinVar aggregate classification (germline): Uncertain significance (1 of 4 stars; one submission).

Conditions:
Perlman syndrome (PRLMNS). Identifiers: Orphanet 2849, MedGen C0796113, MONDO:0009965, OMIM 267000.

Submission:

Labcorp Genetics (formerly Invitae), Labcorp
Classification: Uncertain significance for Perlman syndrome. Last evaluated: 2018-10-25. Review status: criteria provided, single submitter. Criteria: Invitae Variant Classification Sherloc (09022015). Collection method: clinical testing. Allele origin: germline.
Comment: In summary, the available evidence is currently insufficient to determine the role of this variant in disease. Therefore, it has been classified as a Variant of Uncertain Significance. This sequence change falls in intron 8 of the DIS3L2 gene. It does not directly change the encoded amino acid sequence of the DIS3L2 protein, but it affects a nucleotide within the consensus splice site of the intron. This variant is not present in population databases (ExAC no frequency). This variant has not been reported in the literature in individuals with DIS3L2-related disease. Nucleotide substitutions within the consensus splice site are a relatively common cause of aberrant splicing (PMID: 17576681, 9536098). Algorithms developed to predict the effect of sequence changes on RNA splicing suggest that this variant may create or strengthen a splice site, but this prediction has not been confirmed by published transcriptional studies.

Literature cited by the submitters: PubMed 17576681; PubMed 9536098.

NM_152383.5(DIS3L2):c.916_950+7dup

Gene: DIS3L2 (DIS3 like 3'-5' exoribonuclease 2; plus strand). Cytogenetic location: 2q37.1.
Variant type: Duplication.
Coding change: c.916_950+7dup on transcript NM_152383.5 (MANE Select); coding-DNA position 916 through 7 bases into the intron after coding-DNA position 950, 42 bases duplicated.
Molecular consequence: splice donor variant.
Genome position (GRCh38, 1-based): chr2:232,136,685-232,136,726, 42 bases duplicated. GRCh37 (hg19): chr2:233,001,395-233,001,436.
Other names: c.916_950+7dup (NM_001257281.2); c.916_950+7dupGTGGACTGGAAGGAGGACTGCAATTTTGCCCTGGGGTAGGTG (NM_152383.4).
Identifiers: ClinVar variation 652835 (VCV000652835.8), dbSNP rs1574902603, ClinGen allele CA915941776.